The following is an entry in ClinVar:

NM_001114753.3(ENG):c.2T>G (p.Met1Arg)

Gene: ENG (endoglin; minus strand). Cytogenetic location: 9q34.11.
Variant type: single nucleotide variant.
Coding change: c.2T>G on transcript NM_001114753.3 (MANE Select); coding-DNA position 2, T replaced by G.
Protein change: p.Met1Arg; changes the start codon (methionine 1).
Molecular consequence: missense variant, initiator codon variant.
Genome position (GRCh38, 1-based): chr9:127,854,354, A>C on the plus strand (T>G on the coding strand, the complement: ENG is on the minus strand). VCF-style: chr9-127854354-A-C. GRCh37 (hg19) VCF-style: chr9-130616633-A-C.
Other names: NM_001114753.3(ENG):c.2T>G; p.Met1Arg; c.2T>G, p.Met1Arg (NM_000118.4, NM_001406715.1); short protein forms M1R.
Identifiers: ClinVar variation 458346 (VCV000458346.12), dbSNP rs267606783, ClinGen allele CA374989708.
Genomic context (GRCh38, chr9:127,854,354, plus strand): 5'-GGGCTGAGGCTGCAGCTGGCCAGCAGCAGGGCAACAGCCAGAGGGAGCGTGCCGCGGTCC[A>C]TGCTGTCCACGTGGGGGCCTGTGCGCTGGGCCTTATCCTGTGTCCAGTGGCAGGGCTGCG-3'
Protein context (NP_001108225.1, residues 1-11): [Met1Arg]DRGTLPLAVA

ClinVar aggregate classification (germline): Pathogenic. Review status: reviewed by expert panel (3 of 4 stars). 3 submissions from 3 submitters: Pathogenic (1). 2 of the submissions do not count toward it. Last evaluated 2024-03-15.

Conditions:
Hereditary hemorrhagic telangiectasia (HHT). Also called: ORW DISEASE; Osler Weber Rendu syndrome; OSLER-RENDU-WEBER DISEASE; Osler hemorrhagic telangiectasia syndrome. Identifiers: Orphanet 774, MedGen C0039445, MONDO:0019180. Disease mechanism: loss of function.
Telangiectasia, hereditary hemorrhagic, type 1 (HHT1). Also called: Osler Weber Rendu syndrome type 1; ENG-Related Hereditary Hemorrhagic Telangiectasia. Identifiers: Orphanet 774, MedGen C4551861, MONDO:0008535, OMIM 187300. Disease mechanism: loss of function.

Submissions (3):

ClinGen Hereditary Hemorrhagic Telangiectasia Variant Curation Expert Panel, ClinGen
Classification: Pathogenic for Telangiectasia, hereditary hemorrhagic, type 1. Last evaluated: 2024-03-15. Review status: reviewed by expert panel. Criteria: ClinGen HHT ACMG Specifications ENG V1.1.0. Collection method: curation. Allele origin: germline. Inheritance: Autosomal dominant inheritance.
Comment: The NM_001114753.3: c.2T>G variant in ENG may cause a truncated or absent protein by altering the start codon of the coding sequence and is predicted to lead to the omission of a critical region of the protein (PVS1_Strong). This variant is absent from gnomAD v2.1.1 (PM2_Supporting). This variant has been reported in >4 probands with a phenotype consistent with HHT (PS4; PMID:12920067, 32300199, 15024723, ClinVar, Internal lab contributors). At least one patient's phenotype meets Curacao Criteria for HHT, and sequencing and large deletion/duplication analysis was performed for ENG and ACVRL1, which is highly specific for HHT (PP4_Moderate; Internal lab contributors). Four different missense variants, c.3G>A, c.1A>T, c.2T>C, c.1A>G, in the same codon have been classified as pathogenic/likely pathogenic for autosomal dominant hereditary hemorrhagic telangiectasia by the ClinGen Hereditary Hemorrhagic Telangiectasia Variant Curation Expert Panel (PM5_Strong). In summary, this variant meets the criteria to be classified as pathogenic for autosomal dominant hereditary hemorrhagic telangiectasia based on the ACMG/AMP criteria applied, as specified by the ClinGen Hereditary Hemorrhagic Telangiectasia Variant Curation Expert Panel: PM2_Supporting, PVS1_Strong, PS4, PP4_Moderate, PM5_Strong (specification version 1.0.0; 1/4/2024).

Labcorp Genetics (formerly Invitae), Labcorp
Classification: Pathogenic for Hereditary hemorrhagic telangiectasia. Last evaluated: 2022-05-07. Review status: criteria provided, single submitter. Criteria: Invitae Variant Classification Sherloc (09022015). Collection method: clinical testing. Allele origin: germline. Not counted in ClinVar's aggregate classification.
Comment: For these reasons, this variant has been classified as Pathogenic. This sequence change affects the initiator methionine of the ENG mRNA. The next in-frame methionine is located at codon 183. This variant is not present in population databases (gnomAD no frequency). Disruption of the initiator codon has been observed in individuals with hemorrhagic telangiectasia (PMID: 9554745, 12920067, 15517393, 20414677, 21158752). ClinVar contains an entry for this variant (Variation ID: 458346).

GeneDx
Classification: Pathogenic. Last evaluated: 2021-01-14. Review status: criteria provided, single submitter. Criteria: GeneDx Variant Classification Process June 2021. Collection method: clinical testing. Allele origin: germline. Affected: yes. Not counted in ClinVar's aggregate classification.
Comment: Initiation codon variant in a gene for which loss-of-function is a known mechanism of disease; Not observed in large population cohorts (Lek et al., 2016); This variant is associated with the following publications: (PMID: 12920067, 15024723, 9554745, 21158752, 32300199)

Literature cited by the submitters: PubMed 9554745 (cited by Labcorp Genetics (formerly Invitae), Labcorp); PubMed 12920067 (cited by Labcorp Genetics (formerly Invitae), Labcorp); PubMed 15517393 (cited by Labcorp Genetics (formerly Invitae), Labcorp); PubMed 20414677 (cited by Labcorp Genetics (formerly Invitae), Labcorp); PubMed 21158752 (cited by Labcorp Genetics (formerly Invitae), Labcorp).